The following is an entry in ClinVar:

ClinVar aggregate classification (germline): Uncertain significance (1 of 4 stars; one submission).

Submission:

GeneDx
Classification: Uncertain significance. Last evaluated: 2024-04-18. Review status: criteria provided, single submitter. Criteria: GeneDx Variant Classification Process June 2021. Collection method: clinical testing. Allele origin: germline. Affected: yes.
Comment: Not observed at significant frequency in large population cohorts (gnomAD); In silico analysis supports that this missense variant has a deleterious effect on protein structure/function; Has not been previously published as pathogenic or benign to our knowledge

NM_000053.4(ATP7B):c.2410A>G (p.Thr804Ala)

Gene: ATP7B (ATPase copper transporting beta; minus strand). Cytogenetic location: 13q14.3.
Variant type: single nucleotide variant.
Coding change: c.2410A>G on transcript NM_000053.4 (MANE Select); coding-DNA position 2410, A replaced by G.
Protein change: p.Thr804Ala; replaces threonine 804 with alanine.
Molecular consequence: missense variant. On other transcripts: intron variant (1).
Genome position (GRCh38, 1-based): chr13:51,957,553, T>C on the plus strand (A>G on the coding strand, the complement: ATP7B is on the minus strand). VCF-style: chr13-51957553-T-C. GRCh37 (hg19) VCF-style: chr13-52531689-T-C.
Other names: c.1924A>G, p.Thr642Ala (NM_001005918.3, NM_001406541.1, NM_001406542.1 and 1 more transcripts); c.2077A>G, p.Thr693Ala (NM_001243182.2); c.2176A>G, p.Thr726Ala (NM_001330578.2, NM_001406527.1, NM_001406528.1 and 2 more transcripts); c.2158A>G, p.Thr720Ala (NM_001330579.2, NM_001406531.1, NM_001406532.1 and 1 more transcripts); c.2410A>G, p.Thr804Ala (NM_001406511.1, NM_001406512.1, NM_001406513.1 and 7 more transcripts); c.2377A>G, p.Thr793Ala (NM_001406514.1); c.2314A>G, p.Thr772Ala (NM_001406517.1, NM_001406518.1); c.2266A>G, p.Thr756Ala (NM_001406520.1, NM_001406521.1, NM_001406522.1 and 1 more transcripts); and 8 more; short protein forms T588A, T610A, T642A, T661A, T688A, T693A, T694A, T720A.
Identifiers: ClinVar variation 3372790 (VCV003372790.1).
Genomic context (GRCh38, chr13:51,957,553, plus strand): 5'-GACATTTGATAACCATAACTCACCTGATGATTAAATTGTCCTCACCAAGGGTCACAACGG[T>C]GGCTTCTGTGGCTTGGAGAGACATGAGTTTAGCCAGGGCTTCTGAGGTTTTGCTCTAGGA-3'
Protein context (NP_000044.2, residues 794-814): KLMSLQATEA[Thr804Ala]VVTLGEDNLI